The following is an entry in ClinVar:

ClinVar aggregate classification (germline): Uncertain significance. Review status: criteria provided, multiple submitters, no conflicts (2 of 4 stars). 2 submissions from 2 submitters: Uncertain significance (2). Last evaluated 2025-07-29.

Conditions:
Cardiovascular phenotype. Identifiers: MedGen CN230736.
Hypertrophic cardiomyopathy 14. Identifiers: MedGen C2750467, MONDO:0013197, OMIM 613251.

Allele frequency attached by ClinVar (database versions not stated): gnomAD exomes 0.00001; TOPMed 0.00001; ExAC 0.00002; gnomAD 0.00003.
gnomAD v4.1: 16 of 1,614,078 alleles (0.00099%); highest among the groups gnomAD compares: African/African-American, 0.0027%; no homozygotes.

Submissions (2):

Labcorp Genetics (formerly Invitae), Labcorp
Classification: Uncertain significance for Hypertrophic cardiomyopathy 14. Last evaluated: 2025-07-29. Review status: criteria provided, single submitter. Criteria: Invitae Variant Classification Sherloc (09022015). Collection method: clinical testing. Allele origin: germline.
Comment: This sequence change replaces methionine, which is neutral and non-polar, with isoleucine, which is neutral and non-polar, at codon 618 of the MYH6 protein (p.Met618Ile). This variant is present in population databases (rs751266021, gnomAD 0.002%). This variant has not been reported in the literature in individuals affected with MYH6-related conditions. ClinVar contains an entry for this variant (Variation ID: 2041634). Invitae Evidence Modeling of protein sequence and biophysical properties (such as structural, functional, and spatial information, amino acid conservation, physicochemical variation, residue mobility, and thermodynamic stability) indicates that this missense variant is not expected to disrupt MYH6 protein function with a negative predictive value of 80%. In summary, the available evidence is currently insufficient to determine the role of this variant in disease. Therefore, it has been classified as a Variant of Uncertain Significance.

Ambry Genetics
Classification: Uncertain significance for Cardiovascular phenotype. Last evaluated: 2023-04-03. Review status: criteria provided, single submitter. Criteria: Ambry Variant Classification Scheme 2023. Collection method: clinical testing. Allele origin: germline.
Comment: The p.M618I variant (also known as c.1854G>A), located in coding exon 13 of the MYH6 gene, results from a G to A substitution at nucleotide position 1854. The methionine at codon 618 is replaced by isoleucine, an amino acid with highly similar properties. This amino acid position is not well conserved in available vertebrate species. In addition, this alteration is predicted to be tolerated by in silico analysis. Since supporting evidence is limited at this time, the clinical significance of this alteration remains unclear.

NM_002471.4(MYH6):c.1854G>A (p.Met618Ile)

Gene: MYH6 (myosin heavy chain 6; minus strand). Cytogenetic location: 14q11.2.
Variant type: single nucleotide variant.
Coding change: c.1854G>A on transcript NM_002471.4 (MANE Select); coding-DNA position 1854, G replaced by A.
Protein change: p.Met618Ile; replaces methionine 618 with isoleucine.
Molecular consequence: missense variant.
Genome position (GRCh38, 1-based): chr14:23,398,765, C>T on the plus strand (G>A on the coding strand, the complement: MYH6 is on the minus strand). VCF-style: chr14-23398765-C-T. GRCh37 (hg19) VCF-style: chr14-23867974-C-T.
Other names: short protein forms M618I.
Identifiers: ClinVar variation 2041634 (VCV002041634.6), dbSNP rs751266021, ClinGen allele CA7115697.
Genomic context (GRCh38, chr14:23,398,765, plus strand): 5'-CAGTGCAGGGGCTGCCTGCTTACCAGTATCGGCAGTTGCGTAGGAGGAGAAGAGAGTGGC[C>T]ATGAGCTTGAGGGAGGACTTCTGGTACAGGGCCACAACAGTCTCGTTGAGAGGATCCTTG-3'
Protein context (NP_002462.2, residues 608-628): ALYQKSSLKL[Met618Ile]ATLFSSYATA